The following is an entry in ClinVar:

NM_002485.5(NBN):c.1279C>T (p.Pro427Ser)

Gene: NBN (nibrin; minus strand). Cytogenetic location: 8q21.3.
Variant type: single nucleotide variant.
Coding change: c.1279C>T on transcript NM_002485.5 (MANE Select); coding-DNA position 1279, C replaced by T.
Protein change: p.Pro427Ser; replaces proline 427 with serine.
Molecular consequence: missense variant.
Genome position (GRCh38, 1-based): chr8:89,955,401, G>A on the plus strand (C>T on the coding strand, the complement: NBN is on the minus strand). VCF-style: chr8-89955401-G-A. GRCh37 (hg19) VCF-style: chr8-90967629-G-A.
Other names: c.1033C>T, p.Pro345Ser (NM_001024688.3); short protein forms P427S, P345S.
Identifiers: ClinVar variation 1767349 (VCV001767349.3), dbSNP rs1554559171, ClinGen allele CA371656206.
Genomic context (GRCh38, chr8:89,955,401, plus strand): 5'-AAGCCCTATCTTTACTTTTATTTATACTTGGCAATTTAGTTGGTGAAAGCTGATAGTTTG[G>A]GATTCTCATCTTAGCCAAAGTATTTGATACCATACTATTATTATTAGAGCTTGTTTTGCA-3'
Protein context (NP_002476.2, residues 417-437): VSNTLAKMRI[Pro427Ser]NYQLSPTKLP

ClinVar aggregate classification (germline): Uncertain significance (1 of 4 stars; one submission).

Conditions:
Hereditary cancer-predisposing syndrome. Also called: Hereditary Cancer Syndrome; Hereditary neoplastic syndrome; Neoplastic Syndromes, Hereditary; Tumor predisposition. Identifiers: Orphanet 140162, MedGen C0027672, MeSH D009386, MONDO:0015356.

Allele frequency attached by ClinVar (database versions not stated): gnomAD exomes below 0.00001.
gnomAD v4.1: 1 of 1,613,602 alleles (0.000062%); highest among the groups gnomAD compares: Non-Finnish European, 0.000085%; no homozygotes.

Submission:

Ambry Genetics
Classification: Uncertain significance for Hereditary cancer-predisposing syndrome. Last evaluated: 2024-11-08. Review status: criteria provided, single submitter. Criteria: Ambry Variant Classification Scheme 2023. Collection method: clinical testing. Allele origin: germline.
Comment: The p.P427S variant (also known as c.1279C>T), located in coding exon 10 of the NBN gene, results from a C to T substitution at nucleotide position 1279. The proline at codon 427 is replaced by serine, an amino acid with similar properties. This amino acid position is conserved. In addition, this alteration is predicted to be tolerated by in silico analysis. Since supporting evidence is limited at this time, the clinical significance of this alteration remains unclear.